The following is an entry in ClinVar:

NM_001613.4(ACTA2):c.991-16del

Genes: ACTA2-AS1 (ACTA2 antisense RNA 1; plus strand), ACTA2 (actin alpha 2, smooth muscle; minus strand). Cytogenetic location: 10q23.31.
Variant type: Deletion.
Coding change: c.991-16del on transcript NM_001613.4 (MANE Select); 16 bases into the intron before coding-DNA position 991, one base deleted (T; older notation c.991-16delT).
Molecular consequence: intron variant. On other transcripts: non-coding transcript variant (1).
Genome position (GRCh38, 1-based): chr10:88,935,382, A deleted on the plus strand (T on the coding strand, the reverse complement: ACTA2 is on the minus strand); the first of 5 consecutive A bases (chr10:88,935,382-88,935,386); deleting any one gives the same sequence. VCF-style (leftmost placement, unchanged base first): chr10-88935381-GA-G. GRCh37 (hg19) VCF-style: chr10-90695138-GA-G.
Other names: c.862-16del (NM_001406467.1, NM_001406468.1, NM_001406469.1); c.991-16del (NM_001320855.2, NM_001406462.1, NM_001141945.3 and 2 more transcripts); c.799-16del (NM_001406471.1); c.880-16del (NM_001406466.1).
Identifiers: ClinVar variation 3069840 (VCV003069840.4), dbSNP rs749013931, ClinGen allele CA030406.

ClinVar aggregate classification (germline): Conflicting classifications of pathogenicity. Review status: criteria provided, conflicting classifications (1 of 4 stars). 3 submissions from 3 submitters: Uncertain significance (1); Benign (1); Likely benign (1). Last evaluated 2025-08-18.

Conditions:
Aortic aneurysm, familial thoracic 6 (AAT6). Also called: FAMILIAL THORACIC AORTIC ANEURYSM WITH LIVEDO RETICULARIS AND IRIS FLOCCULI. Identifiers: MedGen C2673186, MONDO:0012730, OMIM 611788.
Familial thoracic aortic aneurysm and aortic dissection (TAAD). Also called: Thoracic aortic aneurysms and dissections. Identifiers: Orphanet 91387, MedGen C4707243, MONDO:0019625.

Submissions (3):

Labcorp Genetics (formerly Invitae), Labcorp
Classification: Benign for Aortic aneurysm, familial thoracic 6. Last evaluated: 2025-08-18. Review status: criteria provided, single submitter. Criteria: Invitae Variant Classification Sherloc (09022015). Collection method: clinical testing. Allele origin: germline.

Color Diagnostics, LLC DBA Color Health
Classification: Likely benign for Familial thoracic aortic aneurysm and aortic dissection. Last evaluated: 2024-08-15. Review status: criteria provided, single submitter. Criteria: ACMG Guidelines, 2015. Collection method: clinical testing. Allele origin: germline.

All of Us Research Program, National Institutes of Health
Classification: Uncertain significance for Familial thoracic aortic aneurysm and aortic dissection. Last evaluated: 2023-05-16. Review status: criteria provided, single submitter. Criteria: ACMG Guidelines, 2015. Collection method: clinical testing. Allele origin: germline. Inheritance: Autosomal dominant inheritance. Observed: 2 variant alleles, 2 heterozygotes.
Comment: This variant causes a deletion of 1 nucleotide in intron 8 of the ACTA2 gene. To our knowledge, functional studies have not been reported for this variant. This variant has not been reported in individuals affected with cardiovascular disorders in the literature. This variant has been identified in 5/282382 chromosomes in the general population by the Genome Aggregation Database (gnomAD). The available evidence is insufficient to determine the role of this variant in disease conclusively. Therefore, this variant is classified as a Variant of Uncertain Significance.

This study involves interpretation of variants in research participants for the purpose of population health screening. Participant phenotype was not available at the time of variant classification. Additional details can be found in publication PMID: 35346344, PMCID: PMC8962531